The following is an entry in ClinVar:

ClinVar aggregate classification (germline): Uncertain significance (1 of 4 stars; one submission).

Submission:

Ambry Genetics
Classification: Uncertain significance. Last evaluated: 2025-05-26. Review status: criteria provided, single submitter. Criteria: Ambry Variant Classification Scheme 2023. Collection method: clinical testing. Allele origin: germline.
Comment: The p.G419E variant (also known as c.1256G>A), located in coding exon 8 of the MYLK2 gene, results from a G to A substitution at nucleotide position 1256. The glycine at codon 419 is replaced by glutamic acid, an amino acid with similar properties. This amino acid position is conserved. In addition, this alteration is predicted to be tolerated by in silico analysis. Based on the available evidence, the clinical significance of this variant remains unclear.

NM_033118.4(MYLK2):c.1256G>A (p.Gly419Glu)

Gene: MYLK2 (myosin light chain kinase 2; plus strand). Cytogenetic location: 20q11.21.
Variant type: single nucleotide variant.
Coding change: c.1256G>A on transcript NM_033118.4 (MANE Select); coding-DNA position 1256, G replaced by A.
Protein change: p.Gly419Glu; replaces glycine 419 with glutamic acid.
Molecular consequence: missense variant.
Genome position (GRCh38, 1-based): chr20:31,830,850, G>A. VCF-style: chr20-31830850-G-A. GRCh37 (hg19) VCF-style: chr20-30418653-G-A.
Other names: short protein forms G419E.
Identifiers: ClinVar variation 3915796 (VCV003915796.1).